The following is an entry in ClinVar:

ClinVar aggregate classification (germline): Uncertain significance (1 of 4 stars; one submission).

Submission:

Mayo Clinic Laboratories, Mayo Clinic
Classification: Uncertain significance. Last evaluated: 2024-06-28. Review status: criteria provided, single submitter. Criteria: ACMG Guidelines, 2015. Collection method: clinical testing. Allele origin: germline. Observed: 1 variant allele.
Comment: PM2

Literature cited by the submitters: PubMed 26245874.

NM_000132.4(F8):c.1341T>G (p.Phe447Leu)

Gene: F8 (coagulation factor VIII; minus strand). Cytogenetic location: Xq28.
Variant type: single nucleotide variant.
Coding change: c.1341T>G on transcript NM_000132.4 (MANE Select); coding-DNA position 1341, T replaced by G.
Protein change: p.Phe447Leu; replaces phenylalanine 447 with leucine.
Molecular consequence: missense variant.
Genome position (GRCh38, 1-based): chrX:154,966,072, A>C on the plus strand (T>G on the coding strand, the complement: F8 is on the minus strand). VCF-style: chrX-154966072-A-C. GRCh37 (hg19) VCF-style: chrX-154194347-A-C.
Other names: p.Phe447Leu; short protein forms F447L.
Identifiers: ClinVar variation 3380766 (VCV003380766.1).